The following is an entry in ClinVar:

ClinVar aggregate classification (germline): Likely benign (1 of 4 stars; one submission).

Submission:

CeGaT Center for Human Genetics Tuebingen
Classification: Likely benign. Last evaluated: 2023-04-01. Review status: criteria provided, single submitter. Criteria: CeGaT Center For Human Genetics Tuebingen Variant Classification Criteria Version 2. Collection method: clinical testing. Allele origin: germline. Affected: yes. Observed: 1 variant allele.
Comment: KMT2C: PM2:Supporting, BP4, BP7

NM_170606.3(KMT2C):c.5292A>G (p.Gln1764=)

Gene: KMT2C (lysine methyltransferase 2C; minus strand). Cytogenetic location: 7q36.1.
Variant type: single nucleotide variant.
Coding change: c.5292A>G on transcript NM_170606.3 (MANE Select); coding-DNA position 5292, A replaced by G.
Protein change: p.Gln1764=; no amino-acid change (glutamine 1764 retained).
Molecular consequence: synonymous variant.
Genome position (GRCh38, 1-based): chr7:152,182,568, T>C on the plus strand (A>G on the coding strand, the complement: KMT2C is on the minus strand). VCF-style: chr7-152182568-T-C. GRCh37 (hg19) VCF-style: chr7-151879653-T-C.
Identifiers: ClinVar variation 2658221 (VCV002658221.24), dbSNP rs2487801456, ClinGen allele CA458689293.